The following is an entry in ClinVar:

NM_004304.5(ALK):c.58G>C (p.Gly20Arg)

Gene: ALK (ALK receptor tyrosine kinase; minus strand). Cytogenetic location: 2p23.1.
Variant type: single nucleotide variant.
Coding change: c.58G>C on transcript NM_004304.5 (MANE Select); coding-DNA position 58, G replaced by C.
Protein change: p.Gly20Arg; replaces glycine 20 with arginine.
Molecular consequence: missense variant.
Genome position (GRCh38, 1-based): chr2:29,920,602, C>G on the plus strand (G>C on the coding strand, the complement: ALK is on the minus strand). VCF-style: chr2-29920602-C-G. GRCh37 (hg19) VCF-style: chr2-30143468-C-G.
Other names: short protein forms G20R.
Identifiers: ClinVar variation 4824813 (VCV004824813.1).

ClinVar aggregate classification (germline): Uncertain significance (1 of 4 stars; one submission).

Conditions:
Hereditary cancer-predisposing syndrome. Also called: Neoplastic Syndromes, Hereditary; Hereditary neoplastic syndrome; Tumor predisposition; Hereditary Cancer Syndrome. Identifiers: Orphanet 140162, MedGen C0027672, MeSH D009386, MONDO:0015356.

Submission:

Ambry Genetics
Classification: Uncertain significance for Hereditary cancer-predisposing syndrome. Last evaluated: 2026-01-22. Review status: criteria provided, single submitter. Criteria: Ambry Variant Classification Scheme 2023. Collection method: clinical testing. Allele origin: germline.
Comment: The p.G20R variant (also known as c.58G>C), located in coding exon 1 of the ALK gene, results from a G to C substitution at nucleotide position 58. The glycine at codon 20 is replaced by arginine, an amino acid with dissimilar properties. This amino acid position is conserved. In addition, this alteration is predicted to be tolerated by in silico analysis. Based on the available evidence, the clinical significance of this variant remains unclear.